The following is an entry in ClinVar:

NM_001378778.1(MPDZ):c.1817C>G (p.Thr606Ser)

Gene: MPDZ (multiple PDZ domain crumbs cell polarity complex component; minus strand). Cytogenetic location: 9p23.
Variant type: single nucleotide variant.
Coding change: c.1817C>G on transcript NM_001378778.1 (MANE Select); coding-DNA position 1817, C replaced by G.
Protein change: p.Thr606Ser; replaces threonine 606 with serine.
Molecular consequence: missense variant.
Genome position (GRCh38, 1-based): chr9:13,192,282, G>C on the plus strand (C>G on the coding strand, the complement: MPDZ is on the minus strand). VCF-style: chr9-13192282-G-C. GRCh37 (hg19) VCF-style: chr9-13192281-G-C.
Other names: c.1817C>G, p.Thr606Ser (NM_001261406.2, NM_001261407.2, NM_001330637.2 and 14 more transcripts); short protein forms T606S.
Identifiers: ClinVar variation 1434735 (VCV001434735.4), dbSNP rs745454681, ClinGen allele CA4987649.

ClinVar aggregate classification (germline): Uncertain significance (1 of 4 stars; one submission).

Allele frequency attached by ClinVar (database versions not stated): gnomAD exomes 0.00004; gnomAD 0.00001; TOPMed 0.00004; ExAC 0.00007.
gnomAD v4.1: 56 of 1,597,842 alleles (0.0035%); highest among the groups gnomAD compares: Non-Finnish European, 0.0042%; no homozygotes.

Submission:

Labcorp Genetics (formerly Invitae), Labcorp
Classification: Uncertain significance. Last evaluated: 2023-11-10. Review status: criteria provided, single submitter. Criteria: Invitae Variant Classification Sherloc (09022015). Collection method: clinical testing. Allele origin: germline.
Comment: This sequence change replaces threonine, which is neutral and polar, with serine, which is neutral and polar, at codon 606 of the MPDZ protein (p.Thr606Ser). This variant is present in population databases (rs745454681, gnomAD 0.008%). This variant has not been reported in the literature in individuals affected with MPDZ-related conditions. ClinVar contains an entry for this variant (Variation ID: 1434735). An algorithm developed to predict the effect of missense changes on protein structure and function (PolyPhen-2) suggests that this variant¬†is likely to be tolerated. In summary, the available evidence is currently insufficient to determine the role of this variant in disease. Therefore, it has been classified as a Variant of Uncertain Significance.